The following is an entry in ClinVar:

NM_001127198.5(TMC6):c.859G>A (p.Val287Ile)

Gene: TMC6 (transmembrane channel like 6; minus strand). Cytogenetic location: 17q25.3.
Variant type: single nucleotide variant.
Coding change: c.859G>A on transcript NM_001127198.5 (MANE Select); coding-DNA position 859, G replaced by A.
Protein change: p.Val287Ile; replaces valine 287 with isoleucine.
Molecular consequence: missense variant. On other transcripts: non-coding transcript variant (4).
Genome position (GRCh38, 1-based): chr17:78,124,556, C>T on the plus strand (G>A on the coding strand, the complement: TMC6 is on the minus strand). VCF-style: chr17-78124556-C-T. GRCh37 (hg19) VCF-style: chr17-76120637-C-T.
Other names: c.859G>A, p.Val287Ile (NM_001321185.1, NM_001374593.1, NM_001374594.1 and 4 more transcripts); c.859G>A (NM_007267.6); short protein forms V287I.
Identifiers: ClinVar variation 456018 (VCV000456018.16), dbSNP rs8078238, ClinGen allele CA8795981.

ClinVar aggregate classification (germline): Benign. Review status: criteria provided, multiple submitters, no conflicts (2 of 4 stars). 4 submissions from 4 submitters: Benign (3). 1 of the submissions does not count toward it. Last evaluated 2026-02-01.

Conditions:
TMC6-related disorder. Also called: TMC6-related condition.
Epidermodysplasia verruciformis. Identifiers: Orphanet 302, MedGen C0014522, MONDO:0009176.

Allele frequency attached by ClinVar (database versions not stated): gnomAD exomes 0.00144 and 0.00370; ExAC 0.00473; gnomAD 0.01576 and 0.01692; ESP Exome Variant Server 0.01693; 1000 Genomes Project 0.01697; 1000 Genomes Project 30x 0.01765; TOPMed 0.01777.
gnomAD v4.1: 4,578 of 1,611,856 alleles (0.28%); highest among the groups gnomAD compares: African/African-American, 5.4%; 100 homozygotes.

Submissions (4):

Labcorp Genetics (formerly Invitae), Labcorp
Classification: Benign for Epidermodysplasia verruciformis. Last evaluated: 2026-02-01. Review status: criteria provided, single submitter. Criteria: Invitae Variant Classification Sherloc (09022015). Collection method: clinical testing. Allele origin: germline.

GeneDx
Classification: Benign. Last evaluated: 2018-07-09. Review status: criteria provided, single submitter. Criteria: GeneDx Variant Classification Process June 2021. Collection method: clinical testing. Allele origin: germline. Affected: yes.

Breakthrough Genomics
Classification: Benign. Review status: criteria provided, single submitter. Criteria: ACMG Guidelines, 2015. Collection method: not provided. Allele origin: germline. Inheritance: Autosomal recessive inheritance. Affected: yes.

PreventionGenetics, part of Exact Sciences
Classification: Benign for TMC6-related condition. Last evaluated: 2019-07-11. Review status: no assertion criteria provided. Collection method: clinical testing. Allele origin: germline. Not counted in ClinVar's aggregate classification.
Comment: This variant is classified as benign based on ACMG/AMP sequence variant interpretation guidelines (Richards et al. 2015 PMID: 25741868, with internal and published modifications).